The following is an entry in ClinVar:

ClinVar aggregate classification (germline): Likely benign (1 of 4 stars; one submission).

Conditions:
PCNT-related disorder. Also called: PCNT-related condition.

gnomAD v4.1: 7 of 1,613,824 alleles (0.00043%); highest among the groups gnomAD compares: African/African-American, 0.008%; no homozygotes.

Submission:

PreventionGenetics, part of Exact Sciences
Classification: Likely benign for PCNT-related condition. Last evaluated: 2026-02-18. Review status: criteria provided, single submitter. Criteria: ACMG Guidelines, 2015. Collection method: clinical testing. Allele origin: germline.
Comment: This variant is classified as likely benign based on ACMG/AMP sequence variant interpretation guidelines (Richards et al. 2015 PMID: 25741868, with internal and published modifications).

NM_006031.6(PCNT):c.6151-5T>C

Gene: PCNT (pericentrin; plus strand). Cytogenetic location: 21q22.3.
Variant type: single nucleotide variant.
Coding change: c.6151-5T>C on transcript NM_006031.6 (MANE Select); 5 bases into the intron before coding-DNA position 6151, T replaced by C.
Molecular consequence: intron variant.
Genome position (GRCh38, 1-based): chr21:46,416,064, T>C. VCF-style: chr21-46416064-T-C. GRCh37 (hg19) VCF-style: chr21-47835978-T-C.
Other names: c.5797-5T>C (NM_001315529.2).
Identifiers: ClinVar variation 4987965 (VCV004987965.1).